The following is an entry in ClinVar:

ClinVar aggregate classification (germline): Uncertain significance (1 of 4 stars; one submission).

Conditions:
Inborn genetic diseases. Identifiers: MedGen C0950123, MeSH D030342.

gnomAD v4.1: 1 of 1,613,776 alleles (0.000062%); highest among the groups gnomAD compares: East Asian, 0.0022%; no homozygotes.

Submission:

Ambry Genetics
Classification: Uncertain significance for Inborn genetic diseases. Last evaluated: 2024-12-17. Review status: criteria provided, single submitter. Criteria: Ambry Variant Classification Scheme 2023. Collection method: clinical testing. Allele origin: germline.
Comment: The p.S446F variant (also known as c.1337C>T), located in coding exon 1 of the SAMD9 gene, results from a C to T substitution at nucleotide position 1337. The serine at codon 446 is replaced by phenylalanine, an amino acid with highly dissimilar properties. This amino acid position is conserved. In addition, the in silico prediction for this alteration is inconclusive. Based on the available evidence, the clinical significance of this variant remains unclear.

NM_017654.4(SAMD9):c.1337C>T (p.Ser446Phe)

Gene: SAMD9 (sterile alpha motif domain containing 9; minus strand). Cytogenetic location: 7q21.2.
Variant type: single nucleotide variant.
Coding change: c.1337C>T on transcript NM_017654.4 (MANE Select); coding-DNA position 1337, C replaced by T.
Protein change: p.Ser446Phe; replaces serine 446 with phenylalanine.
Molecular consequence: missense variant.
Genome position (GRCh38, 1-based): chr7:93,104,761, G>A on the plus strand (C>T on the coding strand, the complement: SAMD9 is on the minus strand). VCF-style: chr7-93104761-G-A. GRCh37 (hg19) VCF-style: chr7-92734074-G-A.
Other names: c.1337C>T, p.Ser446Phe (NM_001193307.2); short protein forms S446F.
Identifiers: ClinVar variation 3791923 (VCV003791923.1).